The following is an entry in ClinVar:

ClinVar aggregate classification (germline): Uncertain significance (1 of 4 stars; one submission).

Conditions:
Autosomal dominant limb-girdle muscular dystrophy type 1F (LGMDD2). Also called: Limb-girdle muscular dystrophy, type 1F; MUSCULAR DYSTROPHY, LIMB-GIRDLE, AUTOSOMAL DOMINANT 2. Identifiers: Orphanet 55595, MedGen C1842062, MONDO:0012034, OMIM 608423.

Allele frequency attached by ClinVar (database versions not stated): gnomAD exomes below 0.00001; gnomAD 0.00001.
gnomAD v4.1: 2 of 1,612,914 alleles (0.00012%); highest among the groups gnomAD compares: East Asian, 0.0022%; no homozygotes.

Submission:

Labcorp Genetics (formerly Invitae), Labcorp
Classification: Uncertain significance for Autosomal dominant limb-girdle muscular dystrophy type 1F. Last evaluated: 2019-05-27. Review status: criteria provided, single submitter. Criteria: Invitae Variant Classification Sherloc (09022015). Collection method: clinical testing. Allele origin: germline.
Comment: In summary, the available evidence is currently insufficient to determine the role of this variant in disease. Therefore, it has been classified as a Variant of Uncertain Significance. Algorithms developed to predict the effect of missense changes on protein structure and function (SIFT, PolyPhen-2, Align-GVGD) all suggest that this variant is likely to be tolerated, but these predictions have not been confirmed by published functional studies and their clinical significance is uncertain. This variant has not been reported in the literature in individuals with TNPO3-related conditions. This variant is not present in population databases (ExAC no frequency). This sequence change replaces proline with leucine at codon 120 of the TNPO3 protein (p.Pro120Leu). The proline residue is moderately conserved and there is a moderate physicochemical difference between proline and leucine.

NM_012470.4(TNPO3):c.359C>T (p.Pro120Leu)

Gene: TNPO3 (transportin 3; minus strand). Cytogenetic location: 7q32.1.
Variant type: single nucleotide variant.
Coding change: c.359C>T on transcript NM_012470.4 (MANE Select); coding-DNA position 359, C replaced by T.
Protein change: p.Pro120Leu; replaces proline 120 with leucine.
Molecular consequence: missense variant. On other transcripts: non-coding transcript variant (18).
Genome position (GRCh38, 1-based): chr7:129,017,019, G>A on the plus strand (C>T on the coding strand, the complement: TNPO3 is on the minus strand). VCF-style: chr7-129017019-G-A. GRCh37 (hg19) VCF-style: chr7-128657073-G-A.
Other names: c.359C>T, p.Pro120Leu (NM_001191028.3, NM_001382216.1, NM_001382217.1 and 6 more transcripts); short protein forms P120L.
Identifiers: ClinVar variation 946499 (VCV000946499.10), dbSNP rs567680509, ClinGen allele CA166224329.